The following is an entry in ClinVar:

ClinVar aggregate classification (germline): Uncertain significance. Review status: criteria provided, multiple submitters, no conflicts (2 of 4 stars). 3 submissions from 3 submitters: Uncertain significance (2). 1 of the submissions does not count toward it. Last evaluated 2023-01-28.

Conditions:
Hereditary cancer-predisposing syndrome. Also called: Tumor predisposition; Hereditary Cancer Syndrome; Neoplastic Syndromes, Hereditary; Hereditary neoplastic syndrome. Identifiers: Orphanet 140162, MedGen C0027672, MeSH D009386, MONDO:0015356.
Ataxia-telangiectasia syndrome (AT). Also called: Cerebello-oculocutaneous telangiectasia; Immunodeficiency with ataxia telangiectasia; Ataxia-telangiectasia, complementation group D; AT, COMPLEMENTATION GROUP C; Ataxia-telangiectasia, complementation group E; LOUIS-BAR SYNDROME. Identifiers: Orphanet 100, MedGen C0004135, MONDO:0008840, OMIM 208900.

Submissions (3):

Labcorp Genetics (formerly Invitae), Labcorp
Classification: Uncertain significance for Ataxia-telangiectasia syndrome. Last evaluated: 2023-01-28. Review status: criteria provided, single submitter. Criteria: Invitae Variant Classification Sherloc (09022015). Collection method: clinical testing. Allele origin: germline.
Comment: This sequence change replaces leucine, which is neutral and non-polar, with proline, which is neutral and non-polar, at codon 3 of the ATM protein (p.Leu3Pro). This variant is not present in population databases (gnomAD no frequency). This variant has not been reported in the literature in individuals affected with ATM-related conditions. ClinVar contains an entry for this variant (Variation ID: 453759). Advanced modeling of protein sequence and biophysical properties (such as structural, functional, and spatial information, amino acid conservation, physicochemical variation, residue mobility, and thermodynamic stability) performed at Invitae indicates that this missense variant is not expected to disrupt ATM protein function. In summary, the available evidence is currently insufficient to determine the role of this variant in disease. Therefore, it has been classified as a Variant of Uncertain Significance.

Ambry Genetics
Classification: Uncertain significance for Hereditary cancer-predisposing syndrome. Last evaluated: 2019-08-01. Review status: criteria provided, single submitter. Criteria: Ambry Variant Classification Scheme 2023. Collection method: clinical testing. Allele origin: germline.
Comment: The p.L3P variant (also known as c.8T>C), located in coding exon 1 of the ATM gene, results from a T to C substitution at nucleotide position 8. The leucine at codon 3 is replaced by proline, an amino acid with similar properties. This amino acid position is highly conserved in available vertebrate species. In addition, the in silico prediction for this alteration is inconclusive. Since supporting evidence is limited at this time, the clinical significance of this alteration remains unclear.

Natera, Inc.
Classification: Uncertain significance for Ataxia-telangiectasia. Last evaluated: 2025-04-09. Review status: no assertion criteria provided. Collection method: clinical testing. Allele origin: germline. Not counted in ClinVar's aggregate classification.

NM_000051.4(ATM):c.8T>C (p.Leu3Pro)

Gene: ATM (ATM serine/threonine kinase; plus strand). Cytogenetic location: 11q22.3.
Variant type: single nucleotide variant.
Coding change: c.8T>C on transcript NM_000051.4 (MANE Select); coding-DNA position 8, T replaced by C.
Protein change: p.Leu3Pro; replaces leucine 3 with proline.
Molecular consequence: missense variant.
Genome position (GRCh38, 1-based): chr11:108,227,632, T>C. VCF-style: chr11-108227632-T-C. GRCh37 (hg19) VCF-style: chr11-108098359-T-C.
Other names: c.8T>C, p.Leu3Pro (NM_001351834.2, NM_001351835.2, NM_001351836.2); short protein forms L3P.
Identifiers: ClinVar variation 453759 (VCV000453759.13), dbSNP rs1555053861, ClinGen allele CA382518931.